The following is an entry in ClinVar:

NM_004928.3(CFAP410):c.319T>C (p.Tyr107His)

Gene: CFAP410 (cilia and flagella associated protein 410; minus strand). Cytogenetic location: 21q22.3.
Variant type: single nucleotide variant.
Coding change: c.319T>C on transcript NM_004928.3 (MANE Select); coding-DNA position 319, T replaced by C.
Protein change: p.Tyr107His; replaces tyrosine 107 with histidine.
Molecular consequence: missense variant.
Genome position (GRCh38, 1-based): chr21:44,333,087, A>G on the plus strand (T>C on the coding strand, the complement: CFAP410 is on the minus strand). VCF-style: chr21-44333087-A-G. GRCh37 (hg19) VCF-style: chr21-45752970-A-G.
Other names: c.319T>C, p.Tyr107His (NM_001271440.2, NM_001271441.2); c.196T>C, p.Tyr66His (NM_001271442.1); short protein forms Y107H, Y66H.
Identifiers: ClinVar variation 428580 (VCV000428580.5), dbSNP rs763623409, ClinGen allele CA10053728.

ClinVar aggregate classification (germline): Pathogenic. Review status: criteria provided, single submitter (1 of 4 stars). 3 submissions from 3 submitters: Pathogenic (1). 2 of the submissions do not count toward it. Last evaluated 2024-07-01.

Conditions:
Retinal dystrophy with or without macular staphyloma. Identifiers: Orphanet 653709, MedGen C4479651, MONDO:0060507, OMIM 617547.
Axial spondylometaphyseal dysplasia. Also called: AXIAL SMD. Identifiers: Orphanet 168549, MedGen C1865695, MONDO:0011211, OMIM 602271.

Allele frequency attached by ClinVar (database versions not stated): ExAC 0.00002; gnomAD exomes 0.00002.
gnomAD v4.1: 10 of 1,610,020 alleles (0.00062%); highest among the groups gnomAD compares: East Asian, 0.022%; no homozygotes.

Submissions (3):

3billion
Classification: Pathogenic for Retinal dystrophy with or without macular staphyloma. Last evaluated: 2024-07-01. Review status: criteria provided, single submitter. Criteria: ACMG Guidelines, 2015. Collection method: clinical testing. Allele origin: germline. Affected: yes.
Comment: The variant is observed at an extremely low frequency in the gnomAD v4.0.0 dataset (total allele frequency: <0.001%). Predicted Consequence/Location: Missense variant In silico tool predictions suggest damaging effect of the variant on gene or gene product [REVEL: 0.74 (>=0.6, sensitivity 0.68 and specificity 0.92); 3Cnet: 0.50 (>=0.6, sensitivity 0.72 and precision 0.9)]. The same nucleotide change resulting in the same amino acid change has been previously reported as pathogenic/likely pathogenic with strong evidence (ClinVar ID: VCV000428580 /PMID: 26974433, VCV000428580 /3billion dataset). The variant has been reported to be in trans with a pathogenic variant as either compound heterozygous or homozygous in at least one similarly affected unrelated individual (PMID: 27548899 /3billion dataset). A different missense change at the same codon (p.Tyr107Cys) has been reported to be associated with CFAP410 related disorder (ClinVar ID: VCV000428583). Therefore, this variant is classified as Pathogenic according to the recommendation of ACMG/AMP guideline.

OMIM
Classification: Pathogenic for SPONDYLOMETAPHYSEAL DYSPLASIA, AXIAL. Last evaluated: 2018-07-17. Review status: no assertion criteria provided. Collection method: literature only. Allele origin: germline. Not counted in ClinVar's aggregate classification.

Henan Ocular Pharmacology and Therapeutics International Laboratory, Henan Eye Hospital
Classification: Pathogenic for Retinal dystrophy with or without macular staphyloma. Review status: no assertion criteria provided. Collection method: research. Allele origin: biparental. Inheritance: Autosomal recessive inheritance. Affected: yes. Not counted in ClinVar's aggregate classification.

Literature cited by the submitters: PubMed 26974433 (cited by 3billion and OMIM); PubMed 27548899 (cited by 3billion and OMIM); PubMed 21910225 (cited by OMIM); PubMed 11702989 (cited by OMIM).